The following is an entry in ClinVar:

ClinVar aggregate classification (germline): Uncertain significance (1 of 4 stars; one submission).

Conditions:
Hyperaldosteronism, familial, type IV (HALD4). Also called: FH IV; ALDOSTERONISM, PRIMARY, AND HYPERTENSION. Identifiers: Orphanet 642671, MedGen C4310756, MONDO:0014875, OMIM 617027.
Idiopathic generalized epilepsy. Also called: EIG; Generalised epilepsy. Identifiers: MedGen C0270850, MONDO:0005579, OMIM 600669.

Submission:

Labcorp Genetics (formerly Invitae), Labcorp
Classification: Uncertain significance for Idiopathic generalized epilepsy; Hyperaldosteronism, familial, type IV. Last evaluated: 2022-06-20. Review status: criteria provided, single submitter. Criteria: Invitae Variant Classification Sherloc (09022015). Collection method: clinical testing. Allele origin: germline.
Comment: In summary, the available evidence is currently insufficient to determine the role of this variant in disease. Therefore, it has been classified as a Variant of Uncertain Significance. Algorithms developed to predict the effect of missense changes on protein structure and function are either unavailable or do not agree on the potential impact of this missense change (SIFT: "Deleterious"; PolyPhen-2: "Probably Damaging"; Align-GVGD: "Class C0"). This variant has not been reported in the literature in individuals affected with CACNA1H-related conditions. This variant is not present in population databases (gnomAD no frequency). This sequence change replaces methionine, which is neutral and non-polar, with isoleucine, which is neutral and non-polar, at codon 155 of the CACNA1H protein (p.Met155Ile).

NM_021098.3(CACNA1H):c.465G>T (p.Met155Ile)

Gene: CACNA1H (calcium voltage-gated channel subunit alpha1 H; plus strand). Cytogenetic location: 16p13.3.
Variant type: single nucleotide variant.
Coding change: c.465G>T on transcript NM_021098.3 (MANE Select); coding-DNA position 465, G replaced by T.
Protein change: p.Met155Ile; replaces methionine 155 with isoleucine.
Molecular consequence: missense variant.
Genome position (GRCh38, 1-based): chr16:1,195,485, G>T. VCF-style: chr16-1195485-G-T. GRCh37 (hg19) VCF-style: chr16-1245485-G-T.
Other names: c.465G>T, p.Met155Ile (NM_001005407.2); short protein forms M155I.
Identifiers: ClinVar variation 1477093 (VCV001477093.8), dbSNP rs1159226662, ClinGen allele CA394152722.